The following is an entry in ClinVar:

ClinVar aggregate classification (germline): Pathogenic. Review status: criteria provided, multiple submitters, no conflicts (2 of 4 stars). 2 submissions from 2 submitters: Pathogenic (2). Last evaluated 2025-10-17.

Conditions:
Familial focal epilepsy with variable foci (FPEVF). Identifiers: Orphanet 98820, MedGen C1858477, MONDO:0020310.
Inborn genetic diseases. Identifiers: MedGen C0950123, MeSH D030342.

gnomAD v4.1: 1 of 1,614,104 alleles (0.000062%); highest among the groups gnomAD compares: Non-Finnish European, 0.000085%; no homozygotes.

Submissions (2):

Ambry Genetics
Classification: Pathogenic for Inborn genetic diseases. Last evaluated: 2025-10-17. Review status: criteria provided, single submitter. Criteria: Ambry Variant Classification Scheme 2023. Collection method: clinical testing. Allele origin: germline.
Comment: The c.1366C>T (p.Q456*) alteration, located in exon 20 (coding exon 19) of the DEPDC5 gene, consists of a C to T substitution at nucleotide position 1366. This changes the amino acid from a glutamine (Q) to a stop codon at amino acid position 456. This alteration is expected to result in loss of function by premature protein truncation or nonsense-mediated mRNA decay. This variant was not reported in population-based cohorts in the Genome Aggregation Database (gnomAD). Based on the available evidence, this alteration is classified as pathogenic.

Labcorp Genetics (formerly Invitae), Labcorp
Classification: Pathogenic for Familial focal epilepsy with variable foci. Last evaluated: 2022-07-05. Review status: criteria provided, single submitter. Criteria: Invitae Variant Classification Sherloc (09022015). Collection method: clinical testing. Allele origin: germline.
Comment: This variant has not been reported in the literature in individuals affected with DEPDC5-related conditions. For these reasons, this variant has been classified as Pathogenic. ClinVar contains an entry for this variant (Variation ID: 1423497). This variant is not present in population databases (gnomAD no frequency). This sequence change creates a premature translational stop signal (p.Gln456*) in the DEPDC5 gene. It is expected to result in an absent or disrupted protein product. Loss-of-function variants in DEPDC5 are known to be pathogenic (PMID: 23542697, 23542701).

Literature cited by the submitters: PubMed 23542697 (cited by Labcorp Genetics (formerly Invitae), Labcorp); PubMed 23542701 (cited by Labcorp Genetics (formerly Invitae), Labcorp).

NM_001242896.3(DEPDC5):c.1366C>T (p.Gln456Ter)

Gene: DEPDC5 (DEP domain containing 5, GATOR1 subcomplex subunit; plus strand). Cytogenetic location: 22q12.3.
Variant type: single nucleotide variant.
Coding change: c.1366C>T on transcript NM_001242896.3 (MANE Select); coding-DNA position 1366, C replaced by T.
Protein change: p.Gln456Ter; replaces glutamine 456 with a stop codon.
Molecular consequence: nonsense. On other transcripts: non-coding transcript variant (5).
Genome position (GRCh38, 1-based): chr22:31,810,562, C>T. VCF-style: chr22-31810562-C-T. GRCh37 (hg19) VCF-style: chr22-32206548-C-T.
Other names: c.1366C>T (NM_001242896.1); c.1366C>T, p.Gln456Ter (NM_001007188.4, NM_001136029.4, NM_001242897.2 and 7 more transcripts); c.1282C>T, p.Gln428Ter (NM_001369901.1, NM_001369902.1); short protein forms Q456*, Q428*.
Identifiers: ClinVar variation 1423497 (VCV001423497.7), dbSNP rs2148707379, ClinGen allele CA411276831.